The following is an entry in ClinVar:

ClinVar aggregate classification (germline): Conflicting classifications of pathogenicity. Review status: criteria provided, conflicting classifications (1 of 4 stars). 2 submissions from 2 submitters: Uncertain significance (1); Likely benign (1). Last evaluated 2025-06-29.

Allele frequency attached by ClinVar (database versions not stated): gnomAD 0.00007; 1000 Genomes Project 30x 0.00016; 1000 Genomes Project 0.00020; ExAC 0.00007; ESP Exome Variant Server 0.00008; TOPMed 0.00009; gnomAD exomes 0.00008.
gnomAD v4.1: 142 of 1,613,660 alleles (0.0088%); highest among the groups gnomAD compares: East Asian, 0.036%; no homozygotes.

Submissions (3):

Labcorp Genetics (formerly Invitae), Labcorp
Classification: Uncertain significance. Last evaluated: 2025-06-29. Review status: criteria provided, single submitter. Criteria: Invitae Variant Classification Sherloc (09022015). Collection method: clinical testing. Allele origin: germline.
Comment: This sequence change replaces asparagine, which is neutral and polar, with serine, which is neutral and polar, at codon 82 of the TPRKB protein (p.Asn82Ser). This variant is present in population databases (rs147434102, gnomAD 0.07%), and has an allele count higher than expected for a pathogenic variant. This variant has not been reported in the literature in individuals affected with TPRKB-related conditions. ClinVar contains an entry for this variant (Variation ID: 2759125). An algorithm developed to predict the effect of missense changes on protein structure and function (PolyPhen-2) suggests that this variant is likely to be tolerated. In summary, the available evidence is currently insufficient to determine the role of this variant in disease. Therefore, it has been classified as a Variant of Uncertain Significance.

Ambry Genetics
Classification: Likely benign. Last evaluated: 2024-12-13. Review status: criteria provided, single submitter. Criteria: Ambry Variant Classification Scheme 2023. Collection method: clinical testing. Allele origin: germline.

Dr. Peter K. Rogan Lab, Western University
No classification provided (evidence only). Condition: Nonpapillary renal cell carcinoma. Review status: no classification provided. Collection method: in vitro. Allele origin: not applicable. Functional consequence: skipped exon. Not counted in ClinVar's aggregate classification.

NM_016058.5(TPRKB):c.245A>G (p.Asn82Ser)

Gene: TPRKB (TP53RK binding protein; minus strand). Cytogenetic location: 2p13.1.
Variant type: single nucleotide variant.
Coding change: c.245A>G on transcript NM_016058.5 (MANE Select); coding-DNA position 245, A replaced by G.
Protein change: p.Asn82Ser; replaces asparagine 82 with serine.
Molecular consequence: missense variant.
Genome position (GRCh38, 1-based): chr2:73,732,182, T>C on the plus strand (A>G on the coding strand, the complement: TPRKB is on the minus strand). VCF-style: chr2-73732182-T-C. GRCh37 (hg19) VCF-style: chr2-73959309-T-C.
Other names: c.362A>G, p.Asn121Ser (NM_001330386.2, NM_001330387.2); c.245A>G, p.Asn82Ser (NM_001330388.2, NM_001330389.2); c.191A>G, p.Asn64Ser (NM_001330390.2); c.146A>G, p.Asn49Ser (NM_001330391.2, NM_001330392.2); c.245A>G (NM_016058.2); short protein forms N64S, N121S, N49S, N82S.
Identifiers: ClinVar variation 2759125 (VCV002759125.5), dbSNP rs147434102, ClinGen allele CA1716430.
Genomic context (GRCh38, chr2:73,732,182, plus strand): 5'-TATTATGACACGGTCAACAGAAATAGGAAAGTGCACATTACATTGTTATTTGGGGAAAGG[T>C]TGAAAATAATTTCAGTAGATAGAGTTCTTGTCTTCATTTTTCCCAGTTTGTAGAGGTGAA-3'
Protein context (NP_057142.1, residues 72-92): TRTLSTEIIF[Asn82Ser]LSPNNNISEA